The following is an entry in ClinVar:

ClinVar aggregate classification (germline): Uncertain significance (1 of 4 stars; one submission).

Submission:

GeneDx
Classification: Uncertain significance. Last evaluated: 2026-03-09. Review status: criteria provided, single submitter. Criteria: GeneDx Variant Classification Process June 2021. Collection method: clinical testing. Allele origin: germline.
Comment: Not observed at significant frequency in large population cohorts (gnomAD); In silico analysis supports that this missense variant has a deleterious effect on protein structure/function; Has not been previously published as pathogenic or benign to our knowledge

NM_001005273.3(CHD3):c.5477C>T (p.Ala1826Val)

Gene: CHD3 (chromodomain helicase DNA binding protein 3; plus strand). Cytogenetic location: 17p13.1.
Variant type: single nucleotide variant.
Coding change: c.5477C>T on transcript NM_001005273.3 (MANE Select); coding-DNA position 5477, C replaced by T.
Protein change: p.Ala1826Val; replaces alanine 1826 with valine.
Molecular consequence: missense variant.
Genome position (GRCh38, 1-based): chr17:7,909,225, C>T. VCF-style: chr17-7909225-C-T. GRCh37 (hg19) VCF-style: chr17-7812543-C-T.
Other names: c.5654C>T, p.Ala1885Val (NM_001005271.3, NM_001437504.1); c.5642C>T, p.Ala1881Val (NM_001437507.1); c.5540C>T, p.Ala1847Val (NM_001437508.1); c.5645C>T, p.Ala1882Val (NM_001437509.1); c.5375C>T, p.Ala1792Val (NM_005852.4); short protein forms A1881V, A1847V, A1792V, A1826V, A1882V, A1885V.
Identifiers: ClinVar variation 5008845 (VCV005008845.1).
Genomic context (GRCh38, chr17:7,909,225, plus strand): 5'-TTGAGGAGCAGCTGCGGCGGGCGGCCTACCTGAACCTGTCGCAGGAGCCGGCGCACCCCG[C>T]CATGGCCCTCCACGCCCGCTTCGCCGAGGCCGAGTGCCTGGCCGAGAGCCACCAGCACCT-3'
Protein context (NP_001005273.1, residues 1816-1836): LNLSQEPAHP[Ala1826Val]MALHARFAEA